The following is an entry in ClinVar:

ClinVar aggregate classification (germline): Uncertain significance (1 of 4 stars; one submission).

Conditions:
Wiskott-Aldrich syndrome 2 (WAS2). Also called: WIPF1 DEFICIENCY. Identifiers: Orphanet 906, MedGen C3281001, MONDO:0013779, OMIM 614493.

Submission:

Labcorp Genetics (formerly Invitae), Labcorp
Classification: Uncertain significance for Wiskott-Aldrich syndrome 2. Last evaluated: 2021-06-22. Review status: criteria provided, single submitter. Criteria: Invitae Variant Classification Sherloc (09022015). Collection method: clinical testing. Allele origin: germline.
Comment: In summary, the available evidence is currently insufficient to determine the role of this variant in disease. Therefore, it has been classified as a Variant of Uncertain Significance. Algorithms developed to predict the effect of missense changes on protein structure and function output the following: SIFT: "Tolerated"; PolyPhen-2: "Benign"; Align-GVGD: "Class C0". The methionine amino acid residue is found in multiple mammalian species, suggesting that this missense change does not adversely affect protein function. These predictions have not been confirmed by published functional studies and their clinical significance is uncertain. This variant has not been reported in the literature in individuals with WIPF1-related conditions. This variant is not present in population databases (ExAC no frequency). This sequence change replaces valine with methionine at codon 271 of the WIPF1 protein (p.Val271Met). The valine residue is moderately conserved and there is a small physicochemical difference between valine and methionine.

NM_001375834.1(WIPF1):c.811G>A (p.Val271Met)

Gene: WIPF1 (WAS/WASL interacting protein family member 1; minus strand). Cytogenetic location: 2q31.1.
Variant type: single nucleotide variant.
Coding change: c.811G>A on transcript NM_001375834.1 (MANE Select); coding-DNA position 811, G replaced by A.
Protein change: p.Val271Met; replaces valine 271 with methionine.
Molecular consequence: missense variant.
Genome position (GRCh38, 1-based): chr2:174,571,994, C>T on the plus strand (G>A on the coding strand, the complement: WIPF1 is on the minus strand). VCF-style: chr2-174571994-C-T. GRCh37 (hg19) VCF-style: chr2-175436722-C-T.
Other names: c.811G>A, p.Val271Met (NM_001077269.1, NM_001375832.1, NM_001375833.1 and 5 more transcripts); c.433G>A, p.Val145Met (NM_001375839.1); short protein forms V271M, V145M.
Identifiers: ClinVar variation 955072 (VCV000955072.8), dbSNP rs1684870740, ClinGen allele CA349341625.